The following is an entry in ClinVar:

NM_004329.3(BMPR1A):c.1596C>A (p.Ile532=)

Gene: BMPR1A (bone morphogenetic protein receptor type 1A; plus strand). Cytogenetic location: 10q23.2.
Variant type: single nucleotide variant.
Coding change: c.1596C>A on transcript NM_004329.3 (MANE Select); coding-DNA position 1596, C replaced by A.
Protein change: p.Ile532=; no amino-acid change (isoleucine 532 retained).
Molecular consequence: synonymous variant.
Genome position (GRCh38, 1-based): chr10:86,923,716, C>A. VCF-style: chr10-86923716-C-A. GRCh37 (hg19) VCF-style: chr10-88683473-C-A.
Identifiers: ClinVar variation 1161745 (VCV001161745.12), dbSNP rs201345248, ClinGen allele CA470308895.
Genomic context (GRCh38, chr10:86,923,716, plus strand): 5'-CACAGCATTGAGAATTAAGAAGACGCTTGCCAAGATGGTTGAATCCCAAGATGTAAAAAT[C>A]TGATGGTTAAACCATCGGAGGAGAAACTCTAGACTGCAAGAACTGTTTTTACCCATGGCA-3'
Protein context (NP_004320.2, residues 522-532): AKMVESQDVK[Ile532=]

ClinVar aggregate classification (germline): Benign/Likely benign. Review status: criteria provided, multiple submitters, no conflicts (2 of 4 stars). 3 submissions from 3 submitters: Benign (1); Likely benign (2). Last evaluated 2024-08-08.

Conditions:
Hereditary cancer-predisposing syndrome. Also called: Neoplastic Syndromes, Hereditary; Hereditary Cancer Syndrome; Hereditary neoplastic syndrome; Tumor predisposition. Identifiers: Orphanet 140162, MedGen C0027672, MeSH D009386, MONDO:0015356.
Juvenile polyposis syndrome (JPS). Identifiers: Orphanet 2929, MedGen C0345893, MONDO:0017380, OMIM 174900.

gnomAD v4.1: 2 of 1,613,488 alleles (0.00012%); highest among the groups gnomAD compares: Non-Finnish European, 0.00017%; no homozygotes.

Submissions (3):

Myriad Genetics, Inc.
Classification: Benign for Juvenile polyposis syndrome. Last evaluated: 2024-08-08. Review status: criteria provided, single submitter. Criteria: Myriad Autosomal Dominant, Autosomal Recessive and X-Linked Classification Criteria (2023). Collection method: clinical testing. Allele origin: unknown.
Comment: This variant is considered benign. This variant is a silent/synonymous amino acid change and it is not expected to impact splicing.

Labcorp Genetics (formerly Invitae), Labcorp
Classification: Likely benign for Juvenile polyposis syndrome. Last evaluated: 2020-10-16. Review status: criteria provided, single submitter. Criteria: Invitae Variant Classification Sherloc (09022015). Collection method: clinical testing. Allele origin: germline.

Ambry Genetics
Classification: Likely benign for Hereditary cancer-predisposing syndrome. Last evaluated: 2020-08-17. Review status: criteria provided, single submitter. Criteria: Ambry Variant Classification Scheme 2023. Collection method: clinical testing. Allele origin: germline.